The following is an entry in ClinVar:

NM_031443.4(CCM2):c.411_413dup (p.Asp138_Ile139insAsp)

Gene: CCM2 (CCM2 scaffold protein; plus strand). Cytogenetic location: 7p13.
Variant type: Duplication.
Coding change: c.411_413dup on transcript NM_031443.4 (MANE Select); coding-DNA positions 411 to 413, 3 bases duplicated (TGA; older notation c.411_413dupTGA).
Protein change: p.Asp138_Ile139insAsp.
Molecular consequence: non-coding transcript variant (on NR_030770.2).
Genome position (GRCh38, 1-based): chr7:45,064,585-45,064,587, TGA duplicated; duplicating any 3 consecutive bases within chr7:45,064,584-45,064,587 gives the same sequence; the c. name uses the placement nearest the transcript's 3' end. VCF-style (leftmost placement, unchanged base first): chr7-45064583-C-CATG. GRCh37 (hg19) VCF-style: chr7-45104182-C-CATG.
Other names: c.474_476dup, p.Asp159_Ile160insAsp (NM_001029835.2); c.237_239dup, p.Asp80_Ile81insAsp (NM_001167934.2, NM_001363459.2); c.411_413dup, p.Asp138_Ile139insAsp (NM_001167935.2, NM_001363458.2).
Identifiers: ClinVar variation 3372231 (VCV003372231.1).

ClinVar aggregate classification (germline): Uncertain significance (1 of 4 stars; one submission).

Submission:

GeneDx
Classification: Uncertain significance. Last evaluated: 2024-04-08. Review status: criteria provided, single submitter. Criteria: GeneDx Variant Classification Process June 2021. Collection method: clinical testing. Allele origin: germline. Affected: yes.
Comment: In-frame insertion of 1 amino acids in a non-repeat region; Not observed at significant frequency in large population cohorts (gnomAD); In silico analysis indicates that this variant does not alter protein structure/function; Has not been previously published as pathogenic or benign to our knowledge